The following is an entry in ClinVar:

NM_000304.4(PMP22):c.327C>T (p.Cys109=)

Gene: PMP22 (peripheral myelin protein 22; minus strand). Cytogenetic location: 17p12.
Variant type: single nucleotide variant.
Coding change: c.327C>T on transcript NM_000304.4 (MANE Select); coding-DNA position 327, C replaced by T.
Protein change: p.Cys109=; no amino-acid change (cysteine 109 retained).
Molecular consequence: synonymous variant. On other transcripts: non-coding transcript variant (2).
Genome position (GRCh38, 1-based): chr17:15,231,073, G>A on the plus strand (C>T on the coding strand, the complement: PMP22 is on the minus strand). VCF-style: chr17-15231073-G-A. GRCh37 (hg19) VCF-style: chr17-15134390-G-A.
Other names: c.327C>T, p.Cys109= (NM_001281455.2, NM_001281456.2, NM_153321.3 and 1 more transcripts).
Identifiers: ClinVar variation 514130 (VCV000514130.11), dbSNP rs863225028, ClinGen allele CA288864496.
Genomic context (GRCh38, chr17:15,231,073, plus strand): 5'-ATCCGAGTTGAGATGCCACTCCGGGTGCCTCACCGTGTAGATGGCCGCAGCACTCATCAC[G>A]CACAGACCTGGGGAAGGAGAGGGACAAGCTGGGTGACGGAGAGTCCATGGCAGAGCGGCC-3'
Protein context (NP_000295.1, residues 99-119): TGIFQILAGL[Cys109=]VMSAAAIYTV

ClinVar aggregate classification (germline): Likely benign. Review status: criteria provided, multiple submitters, no conflicts (2 of 4 stars). 4 submissions from 4 submitters: Likely benign (3). 1 of the submissions does not count toward it. Last evaluated 2022-03-11.

Conditions:
Charcot-Marie-Tooth disease, type I (CMT1). Also called: Charcot-Marie-Tooth disease type 1; Charcot-Marie-Tooth, Type 1. Identifiers: Orphanet 65753, MedGen C0751036, MONDO:0019011.
Inborn genetic diseases. Identifiers: MedGen C0950123, MeSH D030342.

Allele frequency attached by ClinVar (database versions not stated): gnomAD 0.00001; gnomAD exomes 0.00001; TOPMed 0.00002.
gnomAD v4.1: 8 of 1,613,148 alleles (0.0005%); highest among the groups gnomAD compares: East Asian, 0.0022%; no homozygotes.

Submissions (4):

Labcorp Genetics (formerly Invitae), Labcorp
Classification: Likely benign for Charcot-Marie-Tooth disease, type I. Last evaluated: 2022-03-11. Review status: criteria provided, single submitter. Criteria: Invitae Variant Classification Sherloc (09022015). Collection method: clinical testing. Allele origin: germline.

Ambry Genetics
Classification: Likely benign for Inborn genetic diseases. Last evaluated: 2019-07-11. Review status: criteria provided, single submitter. Criteria: Ambry Variant Classification Scheme 2023. Collection method: clinical testing. Allele origin: germline.

GeneDx
Classification: Likely benign. Last evaluated: 2017-12-19. Review status: criteria provided, single submitter. Criteria: GeneDx Variant Classification (06012015). Collection method: clinical testing. Allele origin: germline. Affected: yes.
Comment: This variant is considered likely benign or benign based on one or more of the following criteria: it is a conservative change, it occurs at a poorly conserved position in the protein, it is predicted to be benign by multiple in silico algorithms, and/or has population frequency not consistent with disease.

Inherited Neuropathy Consortium
Classification: Uncertain significance. Review status: no assertion criteria provided. Collection method: literature only. Allele origin: germline. Affected: yes. Not counted in ClinVar's aggregate classification.

Literature cited by the submitters: PubMed 9187667 (cited by Inherited Neuropathy Consortium).